The following is an entry in ClinVar:

NM_001723.7(DST):c.7376G>A (p.Arg2459Lys)

Gene: DST (dystonin; minus strand). Cytogenetic location: 6p12.1.
Variant type: single nucleotide variant.
Coding change: c.7376G>A on transcript NM_001723.7 (MANE Plus Clinical); coding-DNA position 7376, G replaced by A.
Protein change: p.Arg2459Lys; replaces arginine 2459 with lysine.
Molecular consequence: missense variant. On other transcripts: intron variant (10).
Genome position (GRCh38, 1-based): chr6:56,616,091, C>T on the plus strand (G>A on the coding strand, the complement: DST is on the minus strand). VCF-style: chr6-56616091-C-T. GRCh37 (hg19) VCF-style: chr6-56480889-C-T.
Other names: c.4831-1607G>A (NM_001144769.5); c.4930-1607G>A (NM_001374722.1, NM_001374736.1); c.4957-1607G>A (NM_001374734.1); c.4417-1607G>A (NM_001144770.2); c.4297-1607G>A (NM_001374730.1, NM_001386100.1, NM_183380.4 and 1 more transcripts); c.3319-1607G>A (NM_015548.5); short protein forms R2459K.
Identifiers: ClinVar variation 1523056 (VCV001523056.8), dbSNP rs1252742970, ClinGen allele CA364563120.

ClinVar aggregate classification (germline): Uncertain significance (1 of 4 stars; one submission).

Conditions:
Hereditary sensory and autonomic neuropathy type 6. Also called: HSAN VI; Neuropathy, hereditary sensory and autonomic, type VI. Identifiers: Orphanet 314381, MedGen C3539003, MONDO:0013839, OMIM 614653.
Epidermolysis bullosa simplex 3, localized or generalized intermediate, with BP230 deficiency (EBS3). Also called: Epidermolysis bullosa simplex due to BP230 deficiency; Epidermolysis bullosa simplex, autosomal recessive 2. Identifiers: Orphanet 412181, MedGen C3809470, MONDO:0014180, OMIM 615425.

Submission:

Labcorp Genetics (formerly Invitae), Labcorp
Classification: Uncertain significance for Epidermolysis bullosa simplex 3, localized or generalized intermediate, with BP230 deficiency; Hereditary sensory and autonomic neuropathy type 6. Last evaluated: 2021-04-04. Review status: criteria provided, single submitter. Criteria: Invitae Variant Classification Sherloc (09022015). Collection method: clinical testing. Allele origin: germline.
Comment: This sequence change replaces arginine with lysine at codon 2459 of the DST protein (p.Arg2459Lys). The arginine residue is highly conserved and there is a small physicochemical difference between arginine and lysine. In summary, the available evidence is currently insufficient to determine the role of this variant in disease. Therefore, it has been classified as a Variant of Uncertain Significance. Algorithms developed to predict the effect of missense changes on protein structure and function are either unavailable or do not agree on the potential impact of this missense change (SIFT: "Deleterious"; PolyPhen-2: "Benign"; Align-GVGD: "Class C25"). This variant has not been reported in the literature in individuals with DST-related conditions. This variant is not present in population databases (ExAC no frequency).